The following is an entry in ClinVar:

NM_032229.3(SLITRK6):c.2212A>G (p.Lys738Glu)

Gene: SLITRK6 (SLIT and NTRK like family member 6; minus strand). Cytogenetic location: 13q31.1.
Variant type: single nucleotide variant.
Coding change: c.2212A>G on transcript NM_032229.3 (MANE Select); coding-DNA position 2212, A replaced by G.
Protein change: p.Lys738Glu; replaces lysine 738 with glutamic acid.
Molecular consequence: missense variant.
Genome position (GRCh38, 1-based): chr13:85,794,297, T>C on the plus strand (A>G on the coding strand, the complement: SLITRK6 is on the minus strand). VCF-style: chr13-85794297-T-C. GRCh37 (hg19) VCF-style: chr13-86368432-T-C.
Other names: short protein forms K738E.
Identifiers: ClinVar variation 1352136 (VCV001352136.6), dbSNP rs2137168314, ClinGen allele CA388372668.

ClinVar aggregate classification (germline): Uncertain significance (1 of 4 stars; one submission).

Allele frequency attached by ClinVar (database versions not stated): gnomAD exomes 0.00001.

Submission:

Labcorp Genetics (formerly Invitae), Labcorp
Classification: Uncertain significance. Last evaluated: 2021-09-15. Review status: criteria provided, single submitter. Criteria: Invitae Variant Classification Sherloc (09022015). Collection method: clinical testing. Allele origin: germline.
Comment: In summary, the available evidence is currently insufficient to determine the role of this variant in disease. Therefore, it has been classified as a Variant of Uncertain Significance. Algorithms developed to predict the effect of missense changes on protein structure and function (SIFT, PolyPhen-2, Align-GVGD) all suggest that this variant is likely to be tolerated. This variant has not been reported in the literature in individuals affected with SLITRK6-related conditions. This variant is not present in population databases (ExAC no frequency). This sequence change replaces lysine with glutamic acid at codon 738 of the SLITRK6 protein (p.Lys738Glu). The lysine residue is weakly conserved and there is a small physicochemical difference between lysine and glutamic acid.